The following is an entry in ClinVar:

ClinVar aggregate classification (germline): Pathogenic (1 of 4 stars; one submission).

Conditions:
Inherited breast cancer and ovarian cancer.

Submission:

Cambridge Genomics Laboratory, East Genomic Laboratory Hub, NHS Genomic Medicine Service
Classification: Pathogenic for Inherited breast cancer and ovarian cancer. Last evaluated: 2024-10-04. Review status: criteria provided, single submitter. Criteria: ACGS Best Practice Guidelines for Variant Classification in Rare Disease 2020. Collection method: clinical testing. Allele origin: germline. Affected: yes.
Comment: PVS1,PM2,PM5_Strong

NM_000059.4(BRCA2):c.9394A>T (p.Lys3132Ter)

Gene: BRCA2 (BRCA2 DNA repair associated; plus strand). Cytogenetic location: 13q13.1.
Variant type: single nucleotide variant.
Coding change: c.9394A>T on transcript NM_000059.4 (MANE Select); coding-DNA position 9394, A replaced by T.
Protein change: p.Lys3132Ter; replaces lysine 3132 with a stop codon.
Molecular consequence: nonsense. On other transcripts: non-coding transcript variant (1).
Genome position (GRCh38, 1-based): chr13:32,394,826, A>T. VCF-style: chr13-32394826-A-T. GRCh37 (hg19) VCF-style: chr13-32968963-A-T.
Other names: c.9298A>T, p.Lys3100Ter (NM_001406719.1); c.9343A>T, p.Lys3115Ter (NM_001406720.1); c.4462A>T, p.Lys1488Ter (NM_001406721.1); c.2977A>T, p.Lys993Ter (NM_001406722.1); c.9394A>T, p.Lys3132Ter (NM_001432077.1); short protein forms K1488*, K3100*, K3115*, K3132*, K993*.
Identifiers: ClinVar variation 4682110 (VCV004682110.1).